The following is an entry in ClinVar:

NM_021922.3(FANCE):c.53C>T (p.Pro18Leu)

Genes: FANCE (FA complementation group E; plus strand), LOC129996245 (ATAC-STARR-seq lymphoblastoid silent region 17092; plus strand). Cytogenetic location: 6p21.31.
Variant type: single nucleotide variant.
Coding change: c.53C>T on transcript NM_021922.3 (MANE Select); coding-DNA position 53, C replaced by T.
Protein change: p.Pro18Leu; replaces proline 18 with leucine.
Molecular consequence: missense variant.
Genome position (GRCh38, 1-based): chr6:35,452,598, C>T. VCF-style: chr6-35452598-C-T. GRCh37 (hg19) VCF-style: chr6-35420375-C-T.
Other names: short protein forms P18L.
Identifiers: ClinVar variation 858230 (VCV000858230.11), dbSNP rs991748781, ClinGen allele CA137292276.

ClinVar aggregate classification (germline): Uncertain significance. Review status: criteria provided, multiple submitters, no conflicts (2 of 4 stars). 6 submissions from 6 submitters: Uncertain significance (6). Last evaluated 2024-09-03.

Conditions:
Inborn genetic diseases. Identifiers: MedGen C0950123, MeSH D030342.
Fanconi anemia complementation group E (FANCE). Also called: FANCE-Related Fanconi Anemia. Identifiers: Orphanet 84, MedGen C3160739, MONDO:0010953, OMIM 600901.
Fanconi anemia (FA). Also called: Fanconi's anemia. Identifiers: Orphanet 84, MedGen C0015625, MeSH D005199, MONDO:0019391.

Allele frequency attached by ClinVar (database versions not stated): gnomAD exomes 0.00002; TOPMed 0.00021; gnomAD 0.00024 and 0.00025.
gnomAD v4.1: 59 of 1,321,554 alleles (0.0045%); highest among the groups gnomAD compares: African/African-American, 0.08%; no homozygotes.

Submissions (6):

Ambry Genetics
Classification: Uncertain significance for Inborn genetic diseases. Last evaluated: 2024-09-03. Review status: criteria provided, single submitter. Criteria: Ambry Variant Classification Scheme 2023. Collection method: clinical testing. Allele origin: germline.

Fulgent Genetics
Classification: Uncertain significance for Fanconi anemia complementation group E. Last evaluated: 2024-06-17. Review status: criteria provided, single submitter. Criteria: ACMG Guidelines, 2015. Collection method: clinical testing. Allele origin: germline.

Center for Genomics, Ann and Robert H. Lurie Children's Hospital of Chicago
Classification: Uncertain significance for Fanconi anemia complementation group E. Last evaluated: 2022-08-17. Review status: criteria provided, single submitter. Criteria: ACMG Guidelines, 2015. Collection method: clinical testing. Allele origin: germline.
Comment: This variant has not been published in the literature but is present in the Genome Aggregation Database (Highest reported MAF: 0.08% [33/41396]) and in ClinVar (Variation ID:858230). Evolutionary conservation and computational predictive tools suggest that this variant may not impact the protein. In summary, data on this variant is insufficient for disease classification. Therefore, the clinical significance of this variant is uncertain.

Labcorp Genetics (formerly Invitae), Labcorp
Classification: Uncertain significance for Fanconi anemia complementation group E. Last evaluated: 2022-08-09. Review status: criteria provided, single submitter. Criteria: Invitae Variant Classification Sherloc (09022015). Collection method: clinical testing. Allele origin: germline.
Comment: This sequence change replaces proline, which is neutral and non-polar, with leucine, which is neutral and non-polar, at codon 18 of the FANCE protein (p.Pro18Leu). The frequency data for this variant in the population databases is considered unreliable, as metrics indicate poor data quality at this position in the gnomAD database. This variant has not been reported in the literature in individuals affected with FANCE-related conditions. ClinVar contains an entry for this variant (Variation ID: 858230). Algorithms developed to predict the effect of missense changes on protein structure and function output the following: SIFT: "Tolerated"; PolyPhen-2: "Probably Damaging"; Align-GVGD: "Class C0". The leucine amino acid residue is found in multiple mammalian species, which suggests that this missense change does not adversely affect protein function. In summary, the available evidence is currently insufficient to determine the role of this variant in disease. Therefore, it has been classified as a Variant of Uncertain Significance.

Sema4
Classification: Uncertain significance for Fanconi anemia. Last evaluated: 2021-12-22. Review status: criteria provided, single submitter. Criteria: Sema4 Curation Guidelines. Collection method: curation. Allele origin: germline.
Comment: The FANCE c.53C>T (p.P18L) variant has not been reported in the literature to our knowledge. It was observed in 7/9274 chromosomes of the African/African American subpopulation in the large and broad cohorts of the Genome Aggregation Database (PMID: 32461654). The variant has been reported in ClinVar (Variation ID 858230). In silico tools suggest the impact of the variant on protein function is benign, though these predictions have not been confirmed by functional studies. The evidence is insufficient to meet ACMG/AMP criteria for classifying the variant as benign or pathogenic. Thus, the clinical significance of this variant is currently uncertain.

Baylor Genetics
Classification: Uncertain significance for Fanconi anemia complementation group E. Last evaluated: 2021-07-22. Review status: criteria provided, single submitter. Criteria: ACMG Guidelines, 2015. Collection method: clinical testing. Allele origin: unknown. Affected: yes. Study: CSER-TexasKidsCanSeq.
Comment: This variant was determined to be of uncertain significance according to ACMG Guidelines, 2015 [PMID:25741868].